The following is an entry in ClinVar:

NM_024529.5(CDC73):c.1304T>A (p.Met435Lys)

Gene: CDC73 (cell division cycle 73; plus strand). Cytogenetic location: 1q31.2.
Variant type: single nucleotide variant.
Coding change: c.1304T>A on transcript NM_024529.5 (MANE Select); coding-DNA position 1304, T replaced by A.
Protein change: p.Met435Lys; replaces methionine 435 with lysine.
Molecular consequence: missense variant.
Genome position (GRCh38, 1-based): chr1:193,233,142, T>A. VCF-style: chr1-193233142-T-A. GRCh37 (hg19) VCF-style: chr1-193202272-T-A.
Other names: short protein forms M435K.
Identifiers: ClinVar variation 3488527 (VCV003488527.1).
Genomic context (GRCh38, chr1:193,233,142, plus strand): 5'-GGGGCACTGCAATTAGTGTTACAGTACCTTATAGAGTAGTAGACCAGCCCCTTAAACTTA[T>A]GCCTCAAGACTGGTAAGATAGTCTCTATATATATATCTTTTCACAGGTGTTGAACCCAAG-3'
Protein context (NP_078805.3, residues 425-445): YRVVDQPLKL[Met435Lys]PQDWDRVVAV

ClinVar aggregate classification (germline): Uncertain significance (1 of 4 stars; one submission).

Conditions:
Hereditary cancer-predisposing syndrome. Also called: Tumor predisposition; Neoplastic Syndromes, Hereditary; Hereditary Cancer Syndrome; Hereditary neoplastic syndrome. Identifiers: Orphanet 140162, MedGen C0027672, MeSH D009386, MONDO:0015356.

Submission:

Ambry Genetics
Classification: Uncertain significance for Hereditary cancer-predisposing syndrome. Last evaluated: 2024-10-13. Review status: criteria provided, single submitter. Criteria: Ambry Variant Classification Scheme 2023. Collection method: clinical testing. Allele origin: germline.
Comment: The p.M435K variant (also known as c.1304T>A), located in coding exon 14 of the CDC73 gene, results from a T to A substitution at nucleotide position 1304. The methionine at codon 435 is replaced by lysine, an amino acid with similar properties. This amino acid position is conserved. In addition, this alteration is predicted to be tolerated by in silico analysis. Based on the available evidence, the clinical significance of this variant remains unclear.